The following is an entry in ClinVar:

NM_014363.6(SACS):c.3443A>G (p.Lys1148Arg)

Gene: SACS (sacsin molecular chaperone; minus strand). Cytogenetic location: 13q12.12.
Variant type: single nucleotide variant.
Coding change: c.3443A>G on transcript NM_014363.6 (MANE Select); coding-DNA position 3443, A replaced by G.
Protein change: p.Lys1148Arg; replaces lysine 1148 with arginine.
Molecular consequence: missense variant.
Genome position (GRCh38, 1-based): chr13:23,340,433, T>C on the plus strand (A>G on the coding strand, the complement: SACS is on the minus strand). VCF-style: chr13-23340433-T-C. GRCh37 (hg19) VCF-style: chr13-23914572-T-C.
Other names: c.3443A>G (NM_014363.4); c.3002A>G, p.Lys1001Arg (NM_001278055.2); short protein forms K1148R, K1001R.
Identifiers: ClinVar variation 2085004 (VCV002085004.5), dbSNP rs140028127, ClinGen allele CA387535221.

ClinVar aggregate classification (germline): Conflicting classifications of pathogenicity. Review status: criteria provided, conflicting classifications (1 of 4 stars). 2 submissions from 2 submitters: Uncertain significance (1); Likely benign (1). Last evaluated 2025-01-13.

Conditions:
Spastic paraplegia. Identifiers: MedGen C0037772, HP:0001258.

Submissions (2):

Athena Diagnostics
Classification: Uncertain significance. Last evaluated: 2025-01-13. Review status: criteria provided, single submitter. Criteria: Athena Diagnostics Criteria. Collection method: clinical testing. Allele origin: unknown.
Comment: Available data are insufficient to determine the clinical significance of the variant at this time. The frequency of this variant in the general population is uninformative in assessment of its pathogenicity. Polyphen and MutationTaster predict this amino acid change may be benign.

Labcorp Genetics (formerly Invitae), Labcorp
Classification: Likely benign for Spastic paraplegia. Last evaluated: 2022-06-27. Review status: criteria provided, single submitter. Criteria: Invitae Variant Classification Sherloc (09022015). Collection method: clinical testing. Allele origin: germline.

Literature cited by the submitters: PubMed 23280630 (cited by Athena Diagnostics).